The following is an entry in ClinVar:

ClinVar aggregate classification (germline): Uncertain significance. Review status: criteria provided, multiple submitters, no conflicts (2 of 4 stars). 3 submissions from 3 submitters: Uncertain significance (2). 1 of the submissions does not count toward it. Last evaluated 2023-12-14.

Conditions:
Congenital myasthenic syndrome 8. Also called: MYASTHENIC SYNDROME, CONGENITAL, DUE TO AGRIN DEFICIENCY; Myasthenic syndrome, congenital, 8, with pre- and postsynaptic defects. Identifiers: Orphanet 590, MedGen C3808739, MONDO:0014052, OMIM 615120.

Allele frequency attached by ClinVar (database versions not stated): gnomAD exomes 0.00002 and 0.00009; TOPMed 0.00008; ExAC 0.00009.
gnomAD v4.1: 37 of 1,600,864 alleles (0.0023%); highest among the groups gnomAD compares: East Asian, 0.038%; no homozygotes.

Submissions (3):

Revvity Omics, Revvity
Classification: Uncertain significance for Congenital myasthenic syndrome 8. Last evaluated: 2023-12-14. Review status: criteria provided, single submitter. Criteria: ACMG Guidelines, 2015. Collection method: clinical testing. Allele origin: germline.

Labcorp Genetics (formerly Invitae), Labcorp
Classification: Uncertain significance for Congenital myasthenic syndrome 8. Last evaluated: 2023-08-30. Review status: criteria provided, single submitter. Criteria: Invitae Variant Classification Sherloc (09022015). Collection method: clinical testing. Allele origin: germline.
Comment: This variant is present in population databases (rs772102866, gnomAD 0.1%). In summary, the available evidence is currently insufficient to determine the role of this variant in disease. Therefore, it has been classified as a Variant of Uncertain Significance. Algorithms developed to predict the effect of missense changes on protein structure and function output the following: SIFT: "Not Available"; PolyPhen-2: "Possibly Damaging"; Align-GVGD: "Not Available". The glutamine amino acid residue is found in multiple mammalian species, which suggests that this missense change does not adversely affect protein function. ClinVar contains an entry for this variant (Variation ID: 861960). This missense change has been observed in individual(s) with congenital myasthenic syndrome (PMID: 35670010). This sequence change replaces arginine, which is basic and polar, with glutamine, which is neutral and polar, at codon 448 of the AGRN protein (p.Arg448Gln).

Department of Neurology, Xiangya Hospital Central South University
Classification: Pathogenic for Congenital myasthenic syndrome 8. Last evaluated: 2021-09-22. Review status: no assertion criteria provided. Collection method: clinical testing. Allele origin: germline. Affected: yes. Not counted in ClinVar's aggregate classification.

Literature cited by the submitters: PubMed 35670010 (cited by Labcorp Genetics (formerly Invitae), Labcorp).

NM_198576.4(AGRN):c.1343G>A (p.Arg448Gln)

Gene: AGRN (agrin; plus strand). Cytogenetic location: 1p36.33.
Variant type: single nucleotide variant.
Coding change: c.1343G>A on transcript NM_198576.4 (MANE Select); coding-DNA position 1343, G replaced by A.
Protein change: p.Arg448Gln; replaces arginine 448 with glutamine.
Molecular consequence: missense variant.
Genome position (GRCh38, 1-based): chr1:1,042,121, G>A. VCF-style: chr1-1042121-G-A. GRCh37 (hg19) VCF-style: chr1-977501-G-A.
Other names: c.1343G>A, p.Arg448Gln (NM_001305275.2); c.1028G>A, p.Arg343Gln (NM_001364727.2); short protein forms R343Q, R448Q.
Identifiers: ClinVar variation 861960 (VCV000861960.9), dbSNP rs772102866, ClinGen allele CA508116.